The following is an entry in ClinVar:

NM_015057.5(MYCBP2):c.5569A>G (p.Thr1857Ala)

Gene: MYCBP2 (MYC binding protein 2; minus strand). Cytogenetic location: 13q22.3.
Variant type: single nucleotide variant.
Coding change: c.5569A>G on transcript NM_015057.5 (MANE Select); coding-DNA position 5569, A replaced by G.
Protein change: p.Thr1857Ala; replaces threonine 1857 with alanine.
Molecular consequence: missense variant.
Genome position (GRCh38, 1-based): chr13:77,174,393, T>C on the plus strand (A>G on the coding strand, the complement: MYCBP2 is on the minus strand). VCF-style: chr13-77174393-T-C. GRCh37 (hg19) VCF-style: chr13-77748528-T-C.
Other names: short protein forms T1857A.
Identifiers: ClinVar variation 4087931 (VCV004087931.1).
Genomic context (GRCh38, chr13:77,174,393, plus strand): 5'-TCTGTCCTCTGGTTTGGTTTGTGCCGTTACTGCTCAAGCTGCACGTGCTGAATGTGAATG[T>C]CACACCATCAGGGCACTGAACTGTGGTCATTCCTCCATCTCCATTGGCTGTACGGCTTCC-3'
Protein context (NP_055872.4, residues 1847-1867): MTTVQCPDGV[Thr1857Ala]FTFSTCSLSS

ClinVar aggregate classification (germline): Uncertain significance (1 of 4 stars; one submission).

gnomAD v4.1: 1 of 1,614,178 alleles (0.000062%); highest among the groups gnomAD compares: South Asian, 0.0011%; no homozygotes.

Submission:

GeneDx
Classification: Uncertain significance. Last evaluated: 2025-03-25. Review status: criteria provided, single submitter. Criteria: GeneDx Variant Classification Process June 2021. Collection method: clinical testing. Allele origin: germline. Affected: yes.
Comment: Not observed at significant frequency in large population cohorts (gnomAD); In silico analysis indicates that this missense variant does not alter protein structure/function; Has not been previously published as pathogenic or benign to our knowledge